The following is an entry in ClinVar:

NM_001267550.2(TTN):c.10304-207G>A

Gene: TTN (titin; minus strand). Cytogenetic location: 2q31.2.
Variant type: single nucleotide variant.
Coding change: c.10304-207G>A on transcript NM_001267550.2 (MANE Select); 207 bases into the intron before coding-DNA position 10304, G replaced by A.
Molecular consequence: intron variant.
Genome position (GRCh38, 1-based): chr2:178,758,123, C>T on the plus strand (G>A on the coding strand, the complement: TTN is on the minus strand). VCF-style: chr2-178758123-C-T. GRCh37 (hg19) VCF-style: chr2-179622850-C-T.
Other names: c.10303+861G>A (NM_001256850.1, NM_133378.4, NM_133379.5); c.10165+861G>A (NM_003319.4, NM_133437.4); c.10166-207G>A (NM_133432.3).
Identifiers: ClinVar variation 674650 (VCV000674650.1), dbSNP rs142158088, ClinGen allele CA60994674.
Genomic context (GRCh38, chr2:178,758,123, plus strand): 5'-ACTCGAAGTCACACAAGTTCACTTCCATTTCCCAGAGAAGCAAGCTGAGACATGAATGGG[C>T]TAAGGAACTTCACTACATTGTTCATGAAGGCAATAGTGGAGTACCCAACAGGGTTTTGGA-3'

ClinVar aggregate classification (germline): Likely benign (1 of 4 stars; one submission).

Allele frequency attached by ClinVar (database versions not stated): 1000 Genomes Project 0.01877; 1000 Genomes Project 30x 0.01905; gnomAD 0.02630 and 0.02671; TOPMed 0.02860.
gnomAD v4.1: 4,081 of 152,240 alleles (2.7%); highest among the groups gnomAD compares: Admixed American, 4%; 91 homozygotes.

Submission:

GeneDx
Classification: Likely benign. Last evaluated: 2018-06-19. Review status: criteria provided, single submitter. Criteria: GeneDx Variant Classification (06012015). Collection method: clinical testing. Allele origin: germline. Affected: yes.
Comment: This variant is considered likely benign or benign based on one or more of the following criteria: it is a conservative change, it occurs at a poorly conserved position in the protein, it is predicted to be benign by multiple in silico algorithms, and/or has population frequency not consistent with disease.